The following is an entry in ClinVar:

ClinVar aggregate classification (germline): Uncertain significance. Review status: criteria provided, multiple submitters, no conflicts (2 of 4 stars). 2 submissions from 2 submitters: Uncertain significance (2). Last evaluated 2026-02-27.

Conditions:
Hypercholesterolemia, autosomal dominant, type B (FHCL2). Also called: APOB-Related Familial Hypercholesterolemia, Autosomal Dominant; Familial hypercholesterolemia 2; Familial Hypercholesterolemia Type B; HYPERCHOLESTEROLEMIA, FAMILIAL, DUE TO LIGAND-DEFECTIVE APOLIPOPROTEIN B; Hyperlipoproteinemia Type IIb; APOLIPOPROTEIN B-100, FAMILIAL DEFECTIVE. Identifiers: MedGen C1704417, MONDO:0007751, OMIM 144010.
Familial hypobetalipoproteinemia 1. Also called: APOB-Related Familial Hypobetalipoproteinemia; Hypobetalipoproteinemia, normotriglyceridemic; Acanthocytosis with hypobetalipoproteinemia. Identifiers: MedGen C4551990, MONDO:0014252, OMIM 615558.

Allele frequency attached by ClinVar (database versions not stated): gnomAD exomes 0.00001 and below 0.00001; gnomAD 0.00001; TOPMed below 0.00001; ExAC 0.00001.
gnomAD v4.1: 13 of 1,548,782 alleles (0.00084%); highest among the groups gnomAD compares: Non-Finnish European, 0.0011%; no homozygotes.

Submissions (2):

GeneDx
Classification: Uncertain significance. Last evaluated: 2026-02-27. Review status: criteria provided, single submitter. Criteria: GeneDx Variant Classification Process June 2021. Collection method: clinical testing. Allele origin: germline.
Comment: Not observed at significant frequency in large population cohorts (gnomAD); In silico analysis supports that this missense variant does not alter protein structure/function; Has not been previously published as pathogenic or benign to our knowledge

Labcorp Genetics (formerly Invitae), Labcorp
Classification: Uncertain significance for Familial hypobetalipoproteinemia 1; Hypercholesterolemia, autosomal dominant, type B. Last evaluated: 2022-01-01. Review status: criteria provided, single submitter. Criteria: Invitae Variant Classification Sherloc (09022015). Collection method: clinical testing. Allele origin: germline.
Comment: In summary, the available evidence is currently insufficient to determine the role of this variant in disease. Therefore, it has been classified as a Variant of Uncertain Significance. Algorithms developed to predict the effect of missense changes on protein structure and function (SIFT, PolyPhen-2, Align-GVGD) all suggest that this variant is likely to be tolerated. ClinVar contains an entry for this variant (Variation ID: 630288). This variant has not been reported in the literature in individuals affected with APOB-related conditions. This variant is present in population databases (rs766444813, gnomAD 0.001%). This sequence change replaces leucine, which is neutral and non-polar, with serine, which is neutral and polar, at codon 2191 of the APOB protein (p.Leu2191Ser).

NM_000384.3(APOB):c.6572T>C (p.Leu2191Ser)

Gene: APOB (apolipoprotein B; minus strand). Cytogenetic location: 2p24.1.
Variant type: single nucleotide variant.
Coding change: c.6572T>C on transcript NM_000384.3 (MANE Select); coding-DNA position 6572, T replaced by C.
Protein change: p.Leu2191Ser; replaces leucine 2191 with serine.
Molecular consequence: missense variant.
Genome position (GRCh38, 1-based): chr2:21,010,296, A>G on the plus strand (T>C on the coding strand, the complement: APOB is on the minus strand). VCF-style: chr2-21010296-A-G. GRCh37 (hg19) VCF-style: chr2-21233168-A-G.
Other names: short protein forms L2191S.
Identifiers: ClinVar variation 630288 (VCV000630288.10), dbSNP rs766444813, ClinGen allele CA063363.
Genomic context (GRCh38, chr2:21,010,296, plus strand): 5'-CTTTTTAATTTTTCAATGATTTCATCAATAATATTAGCAATAGCTATTTTCAAATCATGT[A>G]AATCATAACTATCTTTAATATACTGATCAAATTGTATCATATATGTCTGCAGTTGAGATA-3'
Protein context (NP_000375.3, residues 2181-2201): FDQYIKDSYD[Leu2191Ser]HDLKIAIANI